The following is an entry in ClinVar:

NM_133259.4(LRPPRC):c.3710-1del

Gene: LRPPRC (leucine rich pentatricopeptide repeat containing; minus strand). Cytogenetic location: 2p21.
Variant type: Deletion.
Coding change: c.3710-1del on transcript NM_133259.4 (MANE Select); the canonical splice acceptor site of the intron before coding-DNA position 3710, one base deleted (G; older notation c.3710-1delG).
Molecular consequence: splice acceptor variant.
Genome position (GRCh38, 1-based): chr2:43,899,335, C deleted on the plus strand (G on the coding strand, the reverse complement: LRPPRC is on the minus strand). VCF-style (leftmost placement, unchanged base first): chr2-43899334-AC-A. GRCh37 (hg19) VCF-style: chr2-44126473-AC-A.
Other names: c.3710-1del (NM_133259.3).
Identifiers: ClinVar variation 3586587 (VCV003586587.3).

ClinVar aggregate classification (germline): Likely pathogenic. Review status: criteria provided, multiple submitters, no conflicts (2 of 4 stars). 3 submissions from 3 submitters: Likely pathogenic (3). Last evaluated 2026-09-03.

Conditions:
Congenital lactic acidosis, Saguenay-Lac-Saint-Jean type (MC4DN5). Also called: CYTOCHROME c OXIDASE DEFICIENCY, FRENCH CANADIAN TYPE; COX DEFICIENCY, FRENCH CANADIAN TYPE; MITOCHONDRIAL COMPLEX IV DEFICIENCY, NUCLEAR TYPE 5. Identifiers: Orphanet 70472, MedGen C1857355, MONDO:0009069, OMIM 220111.

Submissions (3):

Myriad Genetics, Inc.
Classification: Likely pathogenic for Congenital lactic acidosis, Saguenay-Lac-Saint-Jean type. Last evaluated: 2026-09-03. Review status: criteria provided, single submitter. Criteria: Myriad Autosomal Dominant, Autosomal Recessive and X-Linked Classification Criteria (2023). Collection method: clinical testing. Allele origin: unknown.
Comment: NM_133259.3(LRPPRC):c.3710-1delG is a variant in a canonical splice site classified as likely pathogenic in the context of Leigh syndrome, French-Canadian type. c.3710-1delG has not been observed in cases with relevant disease. Relevant functional assessments of this variant are not available in the literature. c.3710-1delG has not been observed in referenced population frequency databases. In summary, NM_133259.3(LRPPRC):c.3710-1delG is a variant in a canonical splice site in a gene where loss of function is a known mechanism of disease and is predicted to disrupt protein function. Please note: this variant was assessed in the context of healthy population screening.

Natera, Inc.
Classification: Likely pathogenic for French-Canadian type Leigh syndrome. Last evaluated: 2025-06-27. Review status: criteria provided, single submitter. Criteria: Natera Variant Classification Schema (03/2026). Collection method: clinical testing. Allele origin: germline.
Comment: The c.3710-1del variant in LRPPRC is a canonical splice acceptor site variant predicted to affect pre-mRNA splicing, which may result in an abnormal transcript and altered protein product. This variant is expected to result in nonsense mediated decay, truncation, or a dysfunctional protein product. This variant is rare in the general population with a frequency below the threshold expected for the associated phenotype(s). Given the available evidence, this variant is classified as Likely Pathogenic.

Fulgent Genetics
Classification: Likely pathogenic for Congenital lactic acidosis, Saguenay-Lac-Saint-Jean type. Last evaluated: 2024-03-16. Review status: criteria provided, single submitter. Criteria: ACMG Guidelines, 2015. Collection method: clinical testing. Allele origin: germline.